The following is an entry in ClinVar:

ClinVar aggregate classification (germline): Benign. Review status: criteria provided, multiple submitters, no conflicts (2 of 4 stars). 14 submissions from 13 submitters: Benign (11). 3 of the submissions do not count toward it. Last evaluated 2026-02-04.

Conditions:
Polymicrogyria with or without vascular-type Ehlers-Danlos syndrome. Identifiers: Orphanet 636941, MedGen C5193040, MONDO:0032688, OMIM 618343.
Familial thoracic aortic aneurysm and aortic dissection (TAAD). Also called: Thoracic aortic aneurysms and dissections. Identifiers: Orphanet 91387, MedGen C4707243, MONDO:0019625.
Ehlers-Danlos syndrome, type 4 (EDSVASC). Also called: Ehlers-Danlos syndrome vascular type; Ehlers Danlos syndrome, ecchymotic type; Ehlers Danlos syndrome, arterial type; Ehlers Danlos syndrome, Sack-Barabas type; Ehlers-Danlos Syndrome Type IV. Identifiers: Orphanet 286, MedGen C0268338, MONDO:0017314, OMIM 130050.

Allele frequency attached by ClinVar (database versions not stated): gnomAD exomes 0.12297; ExAC 0.12635; 1000 Genomes Project 0.12899; 1000 Genomes Project 30x 0.12929; gnomAD 0.15553 and 0.15982; TOPMed 0.16056; ESP Exome Variant Server 0.16669.
gnomAD v4.1: 227,442 of 1,609,684 alleles (14%); highest among the groups gnomAD compares: African/African-American, 22%; 17,440 homozygotes.

Submissions (14):

Labcorp Genetics (formerly Invitae), Labcorp
Classification: Benign for Ehlers-Danlos syndrome, type 4. Last evaluated: 2026-02-04. Review status: criteria provided, single submitter. Criteria: Invitae Variant Classification Sherloc (09022015). Collection method: clinical testing. Allele origin: germline.

Molecular Diagnostic Laboratory for Inherited Cardiovascular Disease, Montreal Heart Institute
Classification: Benign. Last evaluated: 2025-07-24. Review status: criteria provided, single submitter. Criteria: ACMG Guidelines, 2015. Collection method: clinical testing. Allele origin: germline. Affected: no.
Comment: BA1

Blueprint Genetics
Classification: Benign. Last evaluated: 2024-11-26. Review status: criteria provided, single submitter. Criteria: ACMG Guidelines, 2015. Collection method: clinical testing. Allele origin: germline.

Genome-Nilou Lab
Classification: Benign for Ehlers-Danlos syndrome, type 4. Last evaluated: 2021-07-22. Review status: criteria provided, single submitter. Criteria: ACMG Guidelines, 2015. Collection method: clinical testing. Allele origin: germline. Affected: no.

Genome-Nilou Lab
Classification: Benign for Polymicrogyria with or without vascular-type Ehlers-Danlos syndrome. Last evaluated: 2021-07-22. Review status: criteria provided, single submitter. Criteria: ACMG Guidelines, 2015. Collection method: clinical testing. Allele origin: germline. Affected: no.

Color Diagnostics, LLC DBA Color Health
Classification: Benign for Familial thoracic aortic aneurysm and aortic dissection. Last evaluated: 2018-03-15. Review status: criteria provided, single submitter. Criteria: ACMG Guidelines, 2015. Collection method: clinical testing. Allele origin: germline.

Illumina Laboratory Services, Illumina
Classification: Benign for Ehlers-Danlos syndrome, type 4. Last evaluated: 2018-01-13. Review status: criteria provided, single submitter. Criteria: ICSL Variant Classification Criteria 13 December 2019. Collection method: clinical testing. Allele origin: germline.
Comment: This variant was observed in the ICSL laboratory as part of a predisposition screen in an ostensibly healthy population. It had not been previously curated by ICSL or reported in the Human Gene Mutation Database (HGMD: prior to June 1st, 2018), and was therefore a candidate for classification through an automated scoring system. Utilizing variant allele frequency, disease prevalence and penetrance estimates, and inheritance mode, an automated score was calculated to assess if this variant is too frequent to cause the disease. Based on the score and internal cut-off values, a variant classified as benign is not then subjected to further curation. The score for this variant resulted in a classification of benign for this disease.

Laboratory for Molecular Medicine, Mass General Brigham Personalized Medicine
Classification: Benign. Last evaluated: 2013-04-04. Review status: criteria provided, single submitter. Criteria: LMM Criteria. Collection method: clinical testing. Allele origin: germline. Observed: 15 variant alleles.
Comment: 1816-14G>C in intron 25 of COL3A1: This variant is not expected to have clinical significance because it has been identified in 20.2% (892/4406) of African Amer ican chromosomes from a broad population by the NHLBI Exome Sequencing Project (dbSNP rs7579815).

GeneDx
Classification: Benign. Last evaluated: 2013-01-22. Review status: criteria provided, single submitter. Criteria: GeneDx Variant Classification (06012015). Collection method: clinical testing. Allele origin: germline. Affected: yes.
Comment: This variant is considered likely benign or benign based on one or more of the following criteria: it is a conservative change, it occurs at a poorly conserved position in the protein, it is predicted to be benign by multiple in silico algorithms, and/or has population frequency not consistent with disease.

Breakthrough Genomics
Classification: Benign. Review status: criteria provided, single submitter. Criteria: ACMG Guidelines, 2015. Collection method: not provided. Allele origin: germline. Inheritance: Autosomal recessive inheritance. Affected: yes.

PreventionGenetics, part of Exact Sciences
Classification: Benign. Review status: criteria provided, single submitter. Criteria: ACMG Guidelines, 2015. Collection method: clinical testing. Allele origin: germline.

Cohesion Phenomics
Classification: Benign for Ehlers-Danlos syndrome, type 4. Last evaluated: 2022-09-23. Review status: no assertion criteria provided. Criteria: ACMG Guidelines, 2015. Collection method: clinical testing. Allele origin: germline. Affected: yes. Not counted in ClinVar's aggregate classification.

Clinical Genetics DNA and cytogenetics Diagnostics Lab, Erasmus MC, Erasmus Medical Center
Classification: Benign. Review status: no assertion criteria provided. Collection method: clinical testing. Allele origin: germline. Affected: yes. Study: VKGL Data-share Consensus. Not counted in ClinVar's aggregate classification.

Genome Diagnostics Laboratory, Amsterdam University Medical Center
Classification: Benign. Review status: no assertion criteria provided. Collection method: clinical testing. Allele origin: germline. Affected: yes. Study: VKGL Data-share Consensus. Not counted in ClinVar's aggregate classification.

NM_000090.4(COL3A1):c.1816-14G>C

Gene: COL3A1 (collagen type III alpha 1 chain; plus strand). Cytogenetic location: 2q32.2.
Variant type: single nucleotide variant.
Coding change: c.1816-14G>C on transcript NM_000090.4 (MANE Select); 14 bases into the intron before coding-DNA position 1816, G replaced by C.
Molecular consequence: intron variant.
Genome position (GRCh38, 1-based): chr2:188,997,322, G>C. VCF-style: chr2-188997322-G-C. GRCh37 (hg19) VCF-style: chr2-189862048-G-C.
Identifiers: ClinVar variation 136847 (VCV000136847.28), dbSNP rs7579815, ClinGen allele CA004573.